The following is an entry in ClinVar:

ClinVar aggregate classification (germline): Likely benign (1 of 4 stars; one submission).

Conditions:
Xeroderma pigmentosum variant type. Also called: PHOTOSENSITIVITY WITH DEFECTIVE DNA SYNTHESIS; XERODERMA PIGMENTOSUM WITH NORMAL DNA REPAIR RATES; POLH-Related Xeroderma Pigmentosum. Identifiers: Orphanet 90342, MedGen C1848410, MONDO:0010214, OMIM 278750.

Allele frequency attached by ClinVar (database versions not stated): gnomAD 0.00341 and 0.00378; 1000 Genomes Project 0.00379; TOPMed 0.00405; 1000 Genomes Project 30x 0.00406.

Submission:

Illumina Laboratory Services, Illumina
Classification: Likely benign for Xeroderma pigmentosum variant type. Last evaluated: 2018-01-13. Review status: criteria provided, single submitter. Criteria: ICSL Variant Classification Criteria 13 December 2019. Collection method: clinical testing. Allele origin: germline.
Comment: This variant was observed in the ICSL laboratory as part of a predisposition screen in an ostensibly healthy population. It had not been previously curated by ICSL or reported in the Human Gene Mutation Database (HGMD: prior to June 1st, 2018), and was therefore a candidate for classification through an automated scoring system. Utilizing variant allele frequency, disease prevalence and penetrance estimates, and inheritance mode, an automated score was calculated to assess if this variant is too frequent to cause the disease. Based on the score and internal cut-off values, a variant classified as likely benign is not then subjected to further curation. The score for this variant resulted in a classification of likely benign for this disease.

NM_006502.3(POLH):c.*546T>G

Gene: POLH (DNA polymerase eta; plus strand). Cytogenetic location: 6p21.1.
Variant type: single nucleotide variant.
Coding change: c.*546T>G on transcript NM_006502.3 (MANE Select); 546 bases downstream of the stop codon, T replaced by G.
Molecular consequence: 3 prime UTR variant.
Genome position (GRCh38, 1-based): chr6:43,615,103, T>G. VCF-style: chr6-43615103-T-G. GRCh37 (hg19) VCF-style: chr6-43582840-T-G.
Other names: c.*546T>G (NM_001291969.2); c.*1372T>G (NM_001291970.2).
Identifiers: ClinVar variation 910618 (VCV000910618.4), dbSNP rs150227941, ClinGen allele CA138305289.
Genomic context (GRCh38, chr6:43,615,103, plus strand): 5'-AGATCACCTGAGGTCAGGAGTTTGAGACCAGCCTGGCCAACATGGCAAAACCATCTCTAC[T>G]AAAAATAGAAAAATTAGCCAGGCACGTTCCAGGCACCTGTGATCCCAGCTACTTAGAGGC-3'